The following is an entry in ClinVar:

ClinVar aggregate classification (germline): Pathogenic (1 of 4 stars; one submission).

Submission:

Labcorp Genetics (formerly Invitae), Labcorp
Classification: Pathogenic. Last evaluated: 2021-11-19. Review status: criteria provided, single submitter. Criteria: Invitae Variant Classification Sherloc (09022015). Collection method: clinical testing. Allele origin: germline.
Comment: For these reasons, this variant has been classified as Pathogenic. This variant has not been reported in the literature in individuals affected with PROM1-related conditions. This variant is not present in population databases (gnomAD no frequency). This sequence change creates a premature translational stop signal (p.Ser649*) in the PROM1 gene. It is expected to result in an absent or disrupted protein product. Loss-of-function variants in PROM1 are known to be pathogenic (PMID: 17605048, 19718270, 24154662, 25474345).

Literature cited by the submitters: PubMed 17605048; PubMed 19718270; PubMed 24154662; PubMed 25474345.

NM_006017.3(PROM1):c.1946C>A (p.Ser649Ter)

Gene: PROM1 (prominin 1; minus strand). Cytogenetic location: 4p15.32.
Variant type: single nucleotide variant.
Coding change: c.1946C>A on transcript NM_006017.3 (MANE Select); coding-DNA position 1946, C replaced by A.
Protein change: p.Ser649Ter; replaces serine 649 with a stop codon.
Molecular consequence: nonsense.
Genome position (GRCh38, 1-based): chr4:15,991,259, G>T on the plus strand (C>A on the coding strand, the complement: PROM1 is on the minus strand). VCF-style: chr4-15991259-G-T. GRCh37 (hg19) VCF-style: chr4-15992882-G-T.
Other names: c.1919C>A, p.Ser640Ter (NM_001145847.2, NM_001145848.2, NM_001145851.2 and 4 more transcripts); c.1946C>A, p.Ser649Ter (NM_001145849.2, NM_001145850.2); short protein forms S640*, S649*.
Identifiers: ClinVar variation 1451634 (VCV001451634.6), dbSNP rs761911901, ClinGen allele CA356430458.